The following is an entry in ClinVar:

NM_001613.4(ACTA2):c.388A>C (p.Asn130His)

Gene: ACTA2 (actin alpha 2, smooth muscle; minus strand). Cytogenetic location: 10q23.31.
Variant type: single nucleotide variant.
Coding change: c.388A>C on transcript NM_001613.4 (MANE Select); coding-DNA position 388, A replaced by C.
Protein change: p.Asn130His; replaces asparagine 130 with histidine.
Molecular consequence: missense variant.
Genome position (GRCh38, 1-based): chr10:88,941,851, T>G on the plus strand (A>C on the coding strand, the complement: ACTA2 is on the minus strand). VCF-style: chr10-88941851-T-G. GRCh37 (hg19) VCF-style: chr10-90701608-T-G.
Other names: c.388A>C, p.Asn130His (NM_001141945.3, NM_001320855.2, NM_001406462.1 and 3 more transcripts); c.277A>C, p.Asn93His (NM_001406466.1); c.259A>C, p.Asn87His (NM_001406467.1, NM_001406468.1, NM_001406469.1); short protein forms N130H, N87H, N93H.
Identifiers: ClinVar variation 3386309 (VCV003386309.6).

ClinVar aggregate classification (germline): Uncertain significance. Review status: criteria provided, multiple submitters, no conflicts (2 of 4 stars). 5 submissions from 5 submitters: Uncertain significance (5). Last evaluated 2026-07-01.

Conditions:
Familial thoracic aortic aneurysm and aortic dissection (TAAD). Also called: Thoracic aortic aneurysms and dissections. Identifiers: Orphanet 91387, MedGen C4707243, MONDO:0019625.
Aortic aneurysm, familial thoracic 6 (AAT6). Also called: FAMILIAL THORACIC AORTIC ANEURYSM WITH LIVEDO RETICULARIS AND IRIS FLOCCULI. Identifiers: MedGen C2673186, MONDO:0012730, OMIM 611788.

Submissions (5):

Ambry Genetics
Classification: Uncertain significance for Familial thoracic aortic aneurysm and aortic dissection. Last evaluated: 2026-07-01. Review status: criteria provided, single submitter. Criteria: Ambry Variant Classification Scheme 2023. Collection method: clinical testing. Allele origin: germline.
Comment: The p.N130H variant (also known as c.388A>C), located in coding exon 4 of the ACTA2 gene, results from an A to C substitution at nucleotide position 388. The asparagine at codon 130 is replaced by histidine, an amino acid with similar properties. This amino acid position is conserved. In addition, the in silico prediction for this alteration is inconclusive. Based on the available evidence, the clinical significance of this variant remains unclear.

GeneDx
Classification: Uncertain significance. Last evaluated: 2026-03-02. Review status: criteria provided, single submitter. Criteria: GeneDx Variant Classification Process June 2021. Collection method: clinical testing. Allele origin: germline.
Comment: Not observed at significant frequency in large population cohorts (gnomAD); In silico analysis supports that this missense variant has a deleterious effect on protein structure/function; Has not been previously published as pathogenic or benign to our knowledge

Color Diagnostics, LLC DBA Color Health
Classification: Uncertain significance for Familial thoracic aortic aneurysm and aortic dissection. Last evaluated: 2025-01-13. Review status: criteria provided, single submitter. Criteria: ACMG Guidelines, 2015. Collection method: clinical testing. Allele origin: germline.
Comment: This missense variant replaces asparagine with histidine at codon 130 of the ACTA2 protein. Computational prediction suggests that this variant may have a deleterious impact on protein structure and function. To our knowledge, functional studies have not been reported for this variant. This variant has not been reported in individuals affected with ACTA2-related disorders in the literature. This variant has not been identified in the general population by the Genome Aggregation Database (gnomAD). The available evidence is insufficient to determine the role of this variant in disease conclusively. Therefore, this variant is classified as a Variant of Uncertain Significance.

Labcorp Genetics (formerly Invitae), Labcorp
Classification: Uncertain significance for Aortic aneurysm, familial thoracic 6. Last evaluated: 2024-10-04. Review status: criteria provided, single submitter. Criteria: Invitae Variant Classification Sherloc (09022015). Collection method: clinical testing. Allele origin: germline.
Comment: This sequence change replaces asparagine, which is neutral and polar, with histidine, which is basic and polar, at codon 130 of the ACTA2 protein (p.Asn130His). This variant is not present in population databases (gnomAD no frequency). This variant has not been reported in the literature in individuals affected with ACTA2-related conditions. Invitae Evidence Modeling of protein sequence and biophysical properties (such as structural, functional, and spatial information, amino acid conservation, physicochemical variation, residue mobility, and thermodynamic stability) indicates that this missense variant is not expected to disrupt ACTA2 protein function with a negative predictive value of 80%. In summary, the available evidence is currently insufficient to determine the role of this variant in disease. Therefore, it has been classified as a Variant of Uncertain Significance.

All of Us Research Program, National Institutes of Health
Classification: Uncertain significance for Familial thoracic aortic aneurysm and aortic dissection. Last evaluated: 2024-08-06. Review status: criteria provided, single submitter. Criteria: ACMG Guidelines, 2015. Collection method: clinical testing. Allele origin: germline. Inheritance: Autosomal dominant inheritance. Observed: 1 variant allele, 1 heterozygote.
Comment: This study involves interpretation of variants in research participants for the purpose of population health screening. Participant phenotype was not available at the time of variant classification. Additional details can be found in publication PMID: 35346344, PMCID: PMC8962531